The following is an entry in ClinVar:

NM_001270974.2(HYDIN):c.1447-5T>A

Gene: HYDIN (HYDIN axonemal central pair apparatus protein; minus strand). Cytogenetic location: 16q22.2.
Variant type: single nucleotide variant.
Coding change: c.1447-5T>A on transcript NM_001270974.2 (MANE Select); 5 bases into the intron before coding-DNA position 1447, T replaced by A.
Molecular consequence: intron variant.
Genome position (GRCh38, 1-based): chr16:71,088,529, A>T on the plus strand (T>A on the coding strand, the complement: HYDIN is on the minus strand). VCF-style: chr16-71088529-A-T. GRCh37 (hg19) VCF-style: chr16-71122432-A-T.
Other names: c.1447-5T>A (NM_017558.5); c.1498-5T>A (NM_001198543.1); c.1528-5T>A (NM_001198542.1).
Identifiers: ClinVar variation 3382862 (VCV003382862.2).

ClinVar aggregate classification (germline): Uncertain significance (1 of 4 stars; one submission).

Conditions:
Primary ciliary dyskinesia 5. Also called: CILIARY DYSKINESIA, PRIMARY, 5, WITHOUT SITUS INVERSUS. Identifiers: Orphanet 244, MedGen C1837615, MONDO:0012088, OMIM 608647.

Submission:

Juno Genomics, Hangzhou Juno Genomics, Inc
Classification: Uncertain significance for Primary ciliary dyskinesia 5. Review status: criteria provided, single submitter. Criteria: ACMG Guidelines, 2015. Collection method: clinical testing. Allele origin: germline. Affected: yes.
Comment: Absent from controls (or at extremely low frequency if recessive) in Genome Aggregation Database, Exome Sequencing Project, 1000 Genomes Project, or Exome Aggregation Consortium.